The following is an entry in ClinVar:

ClinVar aggregate classification (germline): Likely pathogenic (0 of 4 stars; one submission).

Conditions:
Meckel syndrome, type 1 (MKS1). Also called: MECKEL-GRUBER SYNDROME, TYPE 1. Identifiers: Orphanet 564, MedGen C3714506, MONDO:0009571, OMIM 249000.

Submission:

Juha Muilu Group; Institute for Molecular Medicine Finland (FIMM)
Classification: Likely pathogenic for Meckel syndrome type1. Review status: no assertion criteria provided. Collection method: not provided. Allele origin: unknown.
Comment: FinDis database variant: This variant was not found or characterized by our laboratory, data were collected from public sources: see reference
ClinVar note: Converted during submission from probable-pathogenic to Likely pathogenic.

NM_017777.4(MKS1):c.424C>T (p.Gln142Ter)

Gene: MKS1 (MKS transition zone complex subunit 1; minus strand). Cytogenetic location: 17q22.
Variant type: single nucleotide variant.
Coding change: c.424C>T on transcript NM_017777.4 (MANE Select); coding-DNA position 424, C replaced by T.
Protein change: p.Gln142Ter; replaces glutamine 142 with a stop codon.
Molecular consequence: nonsense. On other transcripts: intron variant (1).
Genome position (GRCh38, 1-based): chr17:58,214,832, G>A on the plus strand (C>T on the coding strand, the complement: MKS1 is on the minus strand). VCF-style: chr17-58214832-G-A. GRCh37 (hg19) VCF-style: chr17-56292193-G-A.
Other names: c.424C>T, p.Gln142Ter (NM_001321269.2, NM_001330397.2); c.-94-445C>T (NM_001321268.2); short protein forms Q142*.
Identifiers: ClinVar variation 56622 (VCV000056622.2), dbSNP rs386834049, ClinGen allele CA344752.
Genomic context (GRCh38, chr17:58,214,832, plus strand): 5'-CATTTGCCATTCGCTCGACCAAGAATGAAGGCACCTCGCTGGCTGCAGTGGTCATTCTCT[G>A]ACAGTGCTGGGAAAAGCAAGCAGCCCTGTGTACGCCATCTGGTCAGGGCCACATGGAGCC-3'